The following is an entry in ClinVar:

ClinVar aggregate classification (germline): Uncertain significance (1 of 4 stars; one submission).

Conditions:
LAMC1-related disorder. Also called: LAMC1-related condition.

Submission:

PreventionGenetics, part of Exact Sciences
Classification: Uncertain significance for LAMC1-related condition. Last evaluated: 2026-09-05. Review status: criteria provided, single submitter. Criteria: ACMG Guidelines, 2015. Collection method: clinical testing. Allele origin: germline.
Comment: The LAMC1 c.38C>T variant is predicted to result in the amino acid substitution p.Pro13Leu. To our knowledge, this variant has not been reported in the literature or in a large population database (gnomAD), indicating this variant is rare. At this time, the clinical significance of this variant is uncertain due to the absence of conclusive functional and genetic evidence.

NM_002293.4(LAMC1):c.38C>T (p.Pro13Leu)

Gene: LAMC1 (laminin subunit gamma 1; plus strand). Cytogenetic location: 1q25.3.
Variant type: single nucleotide variant.
Coding change: c.38C>T on transcript NM_002293.4 (MANE Select); coding-DNA position 38, C replaced by T.
Protein change: p.Pro13Leu; replaces proline 13 with leucine.
Molecular consequence: missense variant.
Genome position (GRCh38, 1-based): chr1:183,023,754, C>T. VCF-style: chr1-183023754-C-T. GRCh37 (hg19) VCF-style: chr1-182992889-C-T.
Other names: short protein forms P13L.
Identifiers: ClinVar variation 4986564 (VCV004986564.1).